The following is an entry in ClinVar:

NM_198578.4(LRRK2):c.4146C>A (p.Asp1382Glu)

Gene: LRRK2 (leucine rich repeat kinase 2; plus strand). Cytogenetic location: 12q12.
Variant type: single nucleotide variant.
Coding change: c.4146C>A on transcript NM_198578.4 (MANE Select); coding-DNA position 4146, C replaced by A.
Protein change: p.Asp1382Glu; replaces aspartic acid 1382 with glutamic acid.
Molecular consequence: missense variant.
Genome position (GRCh38, 1-based): chr12:40,308,653, C>A. VCF-style: chr12-40308653-C-A. GRCh37 (hg19) VCF-style: chr12-40702455-C-A.
Other names: short protein forms D1382E.
Identifiers: ClinVar variation 1738205 (VCV001738205.2), dbSNP rs2499813558, ClinGen allele CA384417852.
Genomic context (GRCh38, chr12:40,308,653, plus strand): 5'-TGGAATGCAAAGTGCCACAGTTGGCATAGATGTGAAAGACTGGCCTATCCAAATAAGAGA[C>A]AAAAGAAAGAGAGATCTCGTCCTAAATGTGTGGGATTTTGCAGGTATTTCTTTCTATAGA-3'
Protein context (NP_940980.4, residues 1372-1392): DVKDWPIQIR[Asp1382Glu]KRKRDLVLNV

ClinVar aggregate classification (germline): Uncertain significance (1 of 4 stars; one submission).

Conditions:
Inborn genetic diseases. Identifiers: MedGen C0950123, MeSH D030342.

Submission:

Ambry Genetics
Classification: Uncertain significance for Inborn genetic diseases. Last evaluated: 2022-07-10. Review status: criteria provided, single submitter. Criteria: Ambry Variant Classification Scheme 2023. Collection method: clinical testing. Allele origin: germline.
Comment: The p.D1382E variant (also known as c.4146C>A), located in coding exon 29 of the LRRK2 gene, results from a C to A substitution at nucleotide position 4146. The aspartic acid at codon 1382 is replaced by glutamic acid, an amino acid with highly similar properties. This amino acid position is conserved. In addition, this alteration is predicted to be tolerated by in silico analysis. Since supporting evidence is limited at this time, the clinical significance of this alteration remains unclear.